The following is an entry in ClinVar:

ClinVar aggregate classification (germline): Uncertain significance. Review status: criteria provided, multiple submitters, no conflicts (2 of 4 stars). 2 submissions from 2 submitters: Uncertain significance (2). Last evaluated 2025-10-01.

Allele frequency attached by ClinVar (database versions not stated): gnomAD exomes 0.00001; gnomAD 0.00002; TOPMed 0.00003.
gnomAD v4.1: 13 of 1,613,846 alleles (0.00081%); highest among the groups gnomAD compares: Admixed American, 0.018%; no homozygotes.

Submissions (2):

Labcorp Genetics (formerly Invitae), Labcorp
Classification: Uncertain significance. Last evaluated: 2025-10-01. Review status: criteria provided, single submitter. Criteria: Invitae Variant Classification Sherloc (09022015). Collection method: clinical testing. Allele origin: germline.
Comment: This sequence change replaces glutamic acid, which is acidic and polar, with aspartic acid, which is acidic and polar, at codon 2 of the PIGL protein (p.Glu2Asp). This variant is present in population databases (no rsID available, gnomAD 0.006%). This variant has not been reported in the literature in individuals affected with PIGL-related conditions. ClinVar contains an entry for this variant (Variation ID: 1399871). An algorithm developed to predict the effect of missense changes on protein structure and function outputs the following: PolyPhen-2: "Benign". The aspartic acid amino acid residue is found in multiple mammalian species, which suggests that this missense change does not adversely affect protein function. In summary, the available evidence is currently insufficient to determine the role of this variant in disease. Therefore, it has been classified as a Variant of Uncertain Significance.

Breakthrough Genomics
Classification: Uncertain significance. Review status: criteria provided, single submitter. Criteria: ACMG Guidelines, 2015. Collection method: not provided. Allele origin: germline. Inheritance: Autosomal recessive inheritance. Affected: yes.

NM_004278.4(PIGL):c.6A>C (p.Glu2Asp)

Genes: PIGL (phosphatidylinositol glycan anchor biosynthesis class L; plus strand), LOC130060313 (ATAC-STARR-seq lymphoblastoid active region 11748; plus strand). Cytogenetic location: 17p11.2.
Variant type: single nucleotide variant.
Coding change: c.6A>C on transcript NM_004278.4 (MANE Select); coding-DNA position 6, A replaced by C.
Protein change: p.Glu2Asp; replaces glutamic acid 2 with aspartic acid.
Molecular consequence: missense variant.
Genome position (GRCh38, 1-based): chr17:16,217,232, A>C. VCF-style: chr17-16217232-A-C. GRCh37 (hg19) VCF-style: chr17-16120546-A-C.
Other names: short protein forms E2D.
Identifiers: ClinVar variation 1399871 (VCV001399871.8), dbSNP rs1352284431, ClinGen allele CA398468772.